The following is an entry in ClinVar:

ClinVar aggregate classification (germline): Uncertain significance (1 of 4 stars; one submission).

Allele frequency attached by ClinVar (database versions not stated): gnomAD exomes below 0.00001; ExAC 0.00001; gnomAD 0.00001.

Submission:

Labcorp Genetics (formerly Invitae), Labcorp
Classification: Uncertain significance. Last evaluated: 2022-11-22. Review status: criteria provided, single submitter. Criteria: Invitae Variant Classification Sherloc (09022015). Collection method: clinical testing. Allele origin: germline.
Comment: This variant is present in population databases (rs781553411, gnomAD 0.002%). This variant has not been reported in the literature in individuals affected with MCM5-related conditions. Experimental studies and prediction algorithms are not available or were not evaluated, and the functional significance of this variant is currently unknown. In summary, the available evidence is currently insufficient to determine the role of this variant in disease. Therefore, it has been classified as a Variant of Uncertain Significance. This sequence change creates a premature translational stop signal (p.Val637Glyfs*55) in the MCM5 gene. While this is not anticipated to result in nonsense mediated decay, it is expected to disrupt the last 98 amino acid(s) of the MCM5 protein.

NM_006739.4(MCM5):c.1909dup (p.Val637fs)

Gene: MCM5 (minichromosome maintenance complex component 5; plus strand). Cytogenetic location: 22q12.3.
Variant type: Duplication.
Coding change: c.1909dup on transcript NM_006739.4 (MANE Select); coding-DNA position 1909, one base duplicated (G; older notation c.1909dupG).
Protein change: p.Val637fs; shifts the reading frame from valine 637.
Molecular consequence: frameshift variant.
Genome position (GRCh38, 1-based): chr22:35,421,394, G duplicated. VCF-style (leftmost placement, unchanged base first): chr22-35421393-T-TG. GRCh37 (hg19) VCF-style: chr22-35817386-T-TG.
Other names: short protein forms V637fs.
Identifiers: ClinVar variation 1943124 (VCV001943124.5), dbSNP rs781553411, ClinGen allele CA10205556.